The following is an entry in ClinVar:

NM_001267550.2(TTN):c.98627_98628del (p.Phe32876fs)

Genes: TTN-AS1 (TTN antisense RNA 1; plus strand), TTN (titin; minus strand). Cytogenetic location: 2q31.2.
Variant type: Deletion.
Coding change: c.98627_98628del on transcript NM_001267550.2 (MANE Select); coding-DNA positions 98627 to 98628, 2 bases deleted (TT; older notation c.98627_98628delTT).
Protein change: p.Phe32876fs; shifts the reading frame from phenylalanine 32876.
Molecular consequence: frameshift variant. On other transcripts: non-coding transcript variant (1).
Genome position (GRCh38, 1-based): chr2:178,539,437-178,539,438, AA deleted on the plus strand (TT on the coding strand, the reverse complement: TTN is on the minus strand); deleting any 2 consecutive bases within chr2:178,539,437-178,539,439 gives the same sequence; the c. name uses the placement nearest the transcript's 3' end. VCF-style (leftmost placement, unchanged base first): chr2-178539436-CAA-C. GRCh37 (hg19) VCF-style: chr2-179404163-CAA-C.
Other names: c.93704_93705del, p.Phe31235fs (NM_001256850.1); c.71432_71433del, p.Phe23811fs (NM_003319.4); c.90923_90924del, p.Phe30308fs (NM_133378.4); c.71807_71808del, p.Phe23936fs (NM_133432.3); c.72008_72009del, p.Phe24003fs (NM_133437.4); short protein forms F31235fs, F32876fs, F23936fs, F30308fs, F23811fs, F24003fs.
Identifiers: ClinVar variation 2112815 (VCV002112815.4), dbSNP rs2468765145, ClinGen allele CA2580064712.

ClinVar aggregate classification (germline): Likely pathogenic (1 of 4 stars; one submission).

Conditions:
Dilated cardiomyopathy 1G (CMD1G). Identifiers: Orphanet 154, MedGen C1858763, MONDO:0011400, OMIM 604145.
Autosomal recessive limb-girdle muscular dystrophy type 2J (LGMDR10). Also called: Limb-girdle muscular dystrophy, type 2J; MUSCULAR DYSTROPHY, LIMB-GIRDLE, AUTOSOMAL RECESSIVE 10. Identifiers: Orphanet 140922, MedGen C1837342, MONDO:0012127, OMIM 608807.

Submission:

Labcorp Genetics (formerly Invitae), Labcorp
Classification: Likely pathogenic for Dilated cardiomyopathy 1G; Autosomal recessive limb-girdle muscular dystrophy type 2J. Last evaluated: 2025-04-14. Review status: criteria provided, single submitter. Criteria: Invitae Variant Classification Sherloc (09022015). Collection method: clinical testing. Allele origin: germline.
Comment: This sequence change creates a premature translational stop signal (p.Phe32876Trpfs*9) in the TTN gene. While this is not anticipated to result in nonsense mediated decay, it is expected to create a truncated TTN protein. This variant is not present in population databases (gnomAD no frequency). This variant has not been reported in the literature in individuals affected with TTN-related conditions. ClinVar contains an entry for this variant (Variation ID: 2112815). This variant is located in the A band of TTN (PMID: 25589632). Truncating variants in this region are significantly overrepresented in patients affected with dilated cardiomyopathy (PMID: 25589632). Truncating variants in this region have also been reported in individuals affected with autosomal recessive centronuclear myopathy (PMID: 23975875). In summary, the currently available evidence indicates that the variant is pathogenic, but additional data are needed to prove that conclusively. Therefore, this variant has been classified as Likely Pathogenic.

Literature cited by the submitters: PubMed 25589632; PubMed 23975875.